The following is an entry in ClinVar:

NM_016169.4(SUFU):c.815A>C (p.Lys272Thr)

Gene: SUFU (SUFU negative regulator of hedgehog signaling; plus strand). Cytogenetic location: 10q24.32.
Variant type: single nucleotide variant.
Coding change: c.815A>C on transcript NM_016169.4 (MANE Select); coding-DNA position 815, A replaced by C.
Protein change: p.Lys272Thr; replaces lysine 272 with threonine.
Molecular consequence: missense variant.
Genome position (GRCh38, 1-based): chr10:102,597,198, A>C. VCF-style: chr10-102597198-A-C. GRCh37 (hg19) VCF-style: chr10-104356955-A-C.
Other names: c.815A>C, p.Lys272Thr (NM_001178133.2); short protein forms K272T.
Identifiers: ClinVar variation 1981652 (VCV001981652.6), dbSNP rs2063471403, ClinGen allele CA377910449.

ClinVar aggregate classification (germline): Uncertain significance. Review status: criteria provided, multiple submitters, no conflicts (2 of 4 stars). 2 submissions from 2 submitters: Uncertain significance (2). Last evaluated 2026-08-27.

Conditions:
Hereditary cancer-predisposing syndrome. Also called: Hereditary neoplastic syndrome; Neoplastic Syndromes, Hereditary; Tumor predisposition; Hereditary Cancer Syndrome. Identifiers: Orphanet 140162, MedGen C0027672, MeSH D009386, MONDO:0015356.
Gorlin syndrome. Also called: Nevoid Basal Cell Carcinoma Syndrome; Basal cell nevus syndrome. Identifiers: Orphanet 377, MedGen C0004779, MONDO:0007187.
Medulloblastoma (MDB). Also called: Medulloblastoma, somatic; MEDULLOBLASTOMA PREDISPOSITION SYNDROME. Identifiers: Orphanet 616, MedGen C0025149, MeSH D008527, MONDO:0007959, OMIM 155255, HP:0002885.

Submissions (2):

Ambry Genetics
Classification: Uncertain significance for Hereditary cancer-predisposing syndrome. Last evaluated: 2026-08-27. Review status: criteria provided, single submitter. Criteria: Ambry Variant Classification Scheme 2023. Collection method: clinical testing. Allele origin: germline.

Labcorp Genetics (formerly Invitae), Labcorp
Classification: Uncertain significance for Gorlin syndrome; Medulloblastoma. Last evaluated: 2024-03-21. Review status: criteria provided, single submitter. Criteria: Invitae Variant Classification Sherloc (09022015). Collection method: clinical testing. Allele origin: germline.
Comment: This sequence change replaces lysine, which is basic and polar, with threonine, which is neutral and polar, at codon 272 of the SUFU protein (p.Lys272Thr). This variant is not present in population databases (gnomAD no frequency). This variant has not been reported in the literature in individuals affected with SUFU-related conditions. ClinVar contains an entry for this variant (Variation ID: 1981652). Advanced modeling of protein sequence and biophysical properties (such as structural, functional, and spatial information, amino acid conservation, physicochemical variation, residue mobility, and thermodynamic stability) performed at Invitae indicates that this missense variant is not expected to disrupt SUFU protein function with a negative predictive value of 80%. In summary, the available evidence is currently insufficient to determine the role of this variant in disease. Therefore, it has been classified as a Variant of Uncertain Significance.